The following is an entry in ClinVar:

NM_000939.4(POMC):c.585C>T (p.Ala195=)

Gene: POMC (proopiomelanocortin; minus strand). Cytogenetic location: 2p23.3.
Variant type: single nucleotide variant.
Coding change: c.585C>T on transcript NM_000939.4 (MANE Select); coding-DNA position 585, C replaced by T.
Protein change: p.Ala195=; no amino-acid change (alanine 195 retained).
Molecular consequence: synonymous variant.
Genome position (GRCh38, 1-based): chr2:25,161,300, G>A on the plus strand (C>T on the coding strand, the complement: POMC is on the minus strand). VCF-style: chr2-25161300-G-A. GRCh37 (hg19) VCF-style: chr2-25384169-G-A.
Other names: c.585C>T, p.Ala195= (NM_001035256.3, NM_001319204.2, NM_001319205.2).
Identifiers: ClinVar variation 335354 (VCV000335354.16), dbSNP rs2071345, ClinGen allele CA1555266.

ClinVar aggregate classification (germline): Benign/Likely benign. Review status: criteria provided, multiple submitters, no conflicts (2 of 4 stars). 6 submissions from 5 submitters: Benign (5); Likely benign (1). Last evaluated 2026-02-02.

Conditions:
Obesity. Also called: Obesity disorder. Identifiers: Orphanet 71529, MedGen C0028754, MeSH D009765, MONDO:0011122, HP:0001513.
Obesity due to pro-opiomelanocortin deficiency. Also called: Obesity, adrenal insufficiency, and red hair due to POMC deficiency; OBESITY, EARLY-ONSET, WITH ADRENAL INSUFFICIENCY AND RED HAIR; PROOPIOMELANOCORTIN DEFICIENCY. Identifiers: Orphanet 71526, MedGen C1857854, MONDO:0012335, OMIM 609734.

Allele frequency attached by ClinVar (database versions not stated): ESP Exome Variant Server 0.00246; gnomAD 0.01639 and 0.02247; TOPMed 0.02278; 1000 Genomes Project 30x 0.07948; 1000 Genomes Project 0.08666.
gnomAD v4.1: 30,380 of 1,609,920 alleles (1.9%); highest among the groups gnomAD compares: East Asian, 30%; 2,620 homozygotes.

Submissions (6):

Labcorp Genetics (formerly Invitae), Labcorp
Classification: Benign. Last evaluated: 2026-02-02. Review status: criteria provided, single submitter. Criteria: Invitae Variant Classification Sherloc (09022015). Collection method: clinical testing. Allele origin: germline.

Blueprint Genetics
Classification: Likely benign. Last evaluated: 2024-11-26. Review status: criteria provided, single submitter. Criteria: ACMG Guidelines, 2015. Collection method: clinical testing. Allele origin: germline.

GeneDx
Classification: Benign. Last evaluated: 2018-11-12. Review status: criteria provided, single submitter. Criteria: GeneDx Variant Classification Process June 2021. Collection method: clinical testing. Allele origin: germline. Affected: yes.

Illumina Laboratory Services, Illumina
Classification: Benign for Inherited obesity. Last evaluated: 2018-01-12. Review status: criteria provided, single submitter. Criteria: ICSL Variant Classification Criteria 13 December 2019. Collection method: clinical testing. Allele origin: germline.
Comment: This variant was observed in the ICSL laboratory as part of a predisposition screen in an ostensibly healthy population. It had not been previously curated by ICSL or reported in the Human Gene Mutation Database (HGMD: prior to June 1st, 2018), and was therefore a candidate for classification through an automated scoring system. Utilizing variant allele frequency, disease prevalence and penetrance estimates, and inheritance mode, an automated score was calculated to assess if this variant is too frequent to cause the disease. Based on the score and internal cut-off values, a variant classified as benign is not then subjected to further curation. The score for this variant resulted in a classification of benign for this disease.

Illumina Laboratory Services, Illumina
Classification: Benign for Obesity due to pro-opiomelanocortin deficiency. Last evaluated: 2018-01-12. Review status: criteria provided, single submitter. Criteria: ICSL Variant Classification Criteria 13 December 2019. Collection method: clinical testing. Allele origin: germline.
Comment: the same text as in the submission from Illumina Laboratory Services, Illumina above.

Breakthrough Genomics
Classification: Benign. Review status: criteria provided, single submitter. Criteria: ACMG Guidelines, 2015. Collection method: not provided. Allele origin: germline. Inheritance: Autosomal recessive inheritance. Affected: yes.